The following is an entry in ClinVar:

NM_000051.4(ATM):c.7674TAT[1] (p.Ile2560del)

Genes: ATM (ATM serine/threonine kinase; plus strand), C11orf65 (chromosome 11 open reading frame 65; minus strand). Cytogenetic location: 11q22.3.
Variant type: Microsatellite.
Coding change: c.7674TAT[1] on transcript NM_000051.4 (MANE Select); one copy of the 3-base unit TAT starting at c.7674; the reference has two copies in a row; one copy, 3 bases deleted.
Protein change: p.Ile2560del; deletes isoleucine 2560.
Molecular consequence: inframe deletion. On other transcripts: intron variant (2), inframe indel (1).
Genome position (GRCh38, 1-based): chr11:108,331,926-108,331,928, TAT deleted; deleting any 3 consecutive bases within chr11:108,331,922-108,331,928 gives the same sequence; the position shown is the placement nearest the transcript's 3' end. VCF-style (leftmost placement, unchanged base first): chr11-108331921-TTTA-T. GRCh37 (hg19) VCF-style: chr11-108202648-TTTA-T.
Other names: c.7674TAT[1], p.Ile2560del (NM_001351834.2); c.641-22853_641-22851del (NM_001330368.2); c.7677_7679delTAT (NM_000051.3); c.*38+3296_*38+3298del (NM_001351110.2); short protein forms I2560del.
Identifiers: ClinVar variation 827188 (VCV000827188.14), dbSNP rs1591171617, ClinGen allele CA915948294.

ClinVar aggregate classification (germline): Uncertain significance. Review status: criteria provided, multiple submitters, no conflicts (2 of 4 stars). 2 submissions from 2 submitters: Uncertain significance (2). Last evaluated 2021-07-27.

Conditions:
Hereditary cancer-predisposing syndrome. Also called: Tumor predisposition; Neoplastic Syndromes, Hereditary; Hereditary Cancer Syndrome; Hereditary neoplastic syndrome. Identifiers: Orphanet 140162, MedGen C0027672, MeSH D009386, MONDO:0015356.
Ataxia-telangiectasia syndrome (AT). Also called: ATAXIA-TELANGIECTASIA, COMPLEMENTATION GROUP A; ATAXIA-TELANGIECTASIA, FRESNO VARIANT; Ataxia-telangiectasia; Ataxia-telangiectasia, complementation group D; AT, COMPLEMENTATION GROUP C; Ataxia-telangiectasia, complementation group E. Identifiers: Orphanet 100, MedGen C0004135, MONDO:0008840, OMIM 208900.

Submissions (2):

Labcorp Genetics (formerly Invitae), Labcorp
Classification: Uncertain significance for Ataxia-telangiectasia syndrome. Last evaluated: 2021-07-27. Review status: criteria provided, single submitter. Criteria: Invitae Variant Classification Sherloc (09022015). Collection method: clinical testing. Allele origin: germline.
Comment: This variant is not present in population databases (ExAC no frequency). This variant, c.7677_7679del, results in the deletion of 1 amino acid(s) of the ATM protein (p.Ile2560del), but otherwise preserves the integrity of the reading frame. This variant has not been reported in the literature in individuals affected with ATM-related conditions. In summary, the available evidence is currently insufficient to determine the role of this variant in disease. Therefore, it has been classified as a Variant of Uncertain Significance. Experimental studies and prediction algorithms are not available or were not evaluated, and the functional significance of this variant is currently unknown. ClinVar contains an entry for this variant (Variation ID: 827188).

Ambry Genetics
Classification: Uncertain significance for Hereditary cancer-predisposing syndrome. Last evaluated: 2019-12-19. Review status: criteria provided, single submitter. Criteria: Ambry Variant Classification Scheme 2023. Collection method: clinical testing. Allele origin: germline.
Comment: The c.7677_7679delTAT variant (also known as p.I2560del) is located in coding exon 51 of the ATM gene. This variant results from an in-frame TAT deletion at nucleotide positions 7677 to 7679. This results in the in-frame deletion of a isoleucine residue at codon 2560. This amino acid position is highly conserved in available vertebrate species. In addition, this alteration is predicted to be deleterious by in silico analysis (Choi Y et al. PLoS ONE. 2012; 7(10):e46688). Since supporting evidence is limited at this time, the clinical significance of this alteration remains unclear.